The following is an entry in ClinVar:

NM_001253852.3(AP4B1):c.2162A>G (p.Asn721Ser)

Genes: AP4B1 (adaptor related protein complex 4 subunit beta 1; minus strand), AP4B1-AS1 (AP4B1 antisense RNA 1; plus strand). Cytogenetic location: 1p13.2.
Variant type: single nucleotide variant.
Coding change: c.2162A>G on transcript NM_001253852.3 (MANE Select); coding-DNA position 2162, A replaced by G.
Protein change: p.Asn721Ser; replaces asparagine 721 with serine.
Molecular consequence: missense variant.
Genome position (GRCh38, 1-based): chr1:113,895,123, T>C on the plus strand (A>G on the coding strand, the complement: AP4B1 is on the minus strand). VCF-style: chr1-113895123-T-C. GRCh37 (hg19) VCF-style: chr1-114437745-T-C.
Other names: c.1865A>G, p.Asn622Ser (NM_001253853.3); c.1658A>G, p.Asn553Ser (NM_001308312.2); c.2162A>G, p.Asn721Ser (NM_006594.5); short protein forms N721S, N622S, N553S.
Identifiers: ClinVar variation 2042180 (VCV002042180.4), dbSNP rs777639673, ClinGen allele CA341705963.

ClinVar aggregate classification (germline): Uncertain significance (1 of 4 stars; one submission).

Conditions:
Hereditary spastic paraplegia 47. Also called: Spastic paraplegia 47, autosomal recessive; adaptor protein 4 (AP-4) deficiency syndrome; CEREBRAL PALSY, SPASTIC QUADRIPLEGIC, 5. Identifiers: Orphanet 280763, MedGen C3279738, MONDO:0013551, OMIM 614066.

gnomAD v4.1: 6 of 1,614,206 alleles (0.00037%); highest among the groups gnomAD compares: Middle Eastern, 0.049%; no homozygotes.

Submission:

Labcorp Genetics (formerly Invitae), Labcorp
Classification: Uncertain significance for Hereditary spastic paraplegia 47. Last evaluated: 2022-05-10. Review status: criteria provided, single submitter. Criteria: Invitae Variant Classification Sherloc (09022015). Collection method: clinical testing. Allele origin: germline.
Comment: This variant has not been reported in the literature in individuals affected with AP4B1-related conditions. This sequence change replaces asparagine, which is neutral and polar, with serine, which is neutral and polar, at codon 721 of the AP4B1 protein (p.Asn721Ser). This variant is present in population databases (no rsID available, gnomAD 0.006%). In summary, the available evidence is currently insufficient to determine the role of this variant in disease. Therefore, it has been classified as a Variant of Uncertain Significance. Algorithms developed to predict the effect of missense changes on protein structure and function output the following: SIFT: "Tolerated"; PolyPhen-2: "Benign"; Align-GVGD: "Class C0". The serine amino acid residue is found in multiple mammalian species, which suggests that this missense change does not adversely affect protein function.